The following is an entry in ClinVar:

NM_001903.5(CTNNA1):c.515A>G (p.Asp172Gly)

Gene: CTNNA1 (catenin alpha 1; plus strand). Cytogenetic location: 5q31.2.
Variant type: single nucleotide variant.
Coding change: c.515A>G on transcript NM_001903.5 (MANE Select); coding-DNA position 515, A replaced by G.
Protein change: p.Asp172Gly; replaces aspartic acid 172 with glycine.
Molecular consequence: missense variant.
Genome position (GRCh38, 1-based): chr5:138,812,229, A>G. VCF-style: chr5-138812229-A-G. GRCh37 (hg19) VCF-style: chr5-138147918-A-G.
Other names: c.515A>G, p.Asp172Gly (NM_001290307.3, NM_001323982.2, NM_001323983.1 and 3 more transcripts); c.206A>G, p.Asp69Gly (NM_001290309.3); c.146A>G, p.Asp49Gly (NM_001290310.3); short protein forms D172G, D49G, D69G.
Identifiers: ClinVar variation 2104502 (VCV002104502.4), dbSNP rs2149736626, ClinGen allele CA361125201.
Genomic context (GRCh38, chr5:138,812,229, plus strand): 5'-TTCTTATTTTATAGGTGGAAGATGGTATCTTGAAGTTGAGGAATGCTGGCAATGAACAAG[A>G]CTTAGGAATCCAGTATAAAGCCCTAAAACCTGAAGTGGATAAGCTGAACATTATGGCAGC-3'
Protein context (NP_001894.2, residues 162-182): LKLRNAGNEQ[Asp172Gly]LGIQYKALKP

ClinVar aggregate classification (germline): Uncertain significance (1 of 4 stars; one submission).

Submission:

Labcorp Genetics (formerly Invitae), Labcorp
Classification: Uncertain significance. Last evaluated: 2022-11-04. Review status: criteria provided, single submitter. Criteria: Invitae Variant Classification Sherloc (09022015). Collection method: clinical testing. Allele origin: germline.
Comment: This variant has not been reported in the literature in individuals affected with CTNNA1-related conditions. Advanced modeling of protein sequence and biophysical properties (such as structural, functional, and spatial information, amino acid conservation, physicochemical variation, residue mobility, and thermodynamic stability) performed at Invitae indicates that this missense variant is not expected to disrupt CTNNA1 protein function. In summary, the available evidence is currently insufficient to determine the role of this variant in disease. Therefore, it has been classified as a Variant of Uncertain Significance. This sequence change replaces aspartic acid, which is acidic and polar, with glycine, which is neutral and non-polar, at codon 172 of the CTNNA1 protein (p.Asp172Gly). This variant is not present in population databases (gnomAD no frequency).